The following is an entry in ClinVar:

ClinVar aggregate classification (germline): Likely benign (0 of 4 stars; one submission).

Conditions:
ROBO1-related disorder. Also called: ROBO1-related condition.

Submission:

PreventionGenetics, part of Exact Sciences
Classification: Likely benign for ROBO1-related condition. Last evaluated: 2022-07-08. Review status: no assertion criteria provided. Collection method: clinical testing. Allele origin: germline.
Comment: This variant is classified as likely benign based on ACMG/AMP sequence variant interpretation guidelines (Richards et al. 2015 PMID: 25741868, with internal and published modifications).

NM_002941.4(ROBO1):c.1779T>G (p.Ser593=)

Gene: ROBO1 (roundabout guidance receptor 1; minus strand). Cytogenetic location: 3p12.3.
Variant type: single nucleotide variant.
Coding change: c.1779T>G on transcript NM_002941.4 (MANE Select); coding-DNA position 1779, T replaced by G.
Protein change: p.Ser593=; no amino-acid change (serine 593 retained).
Molecular consequence: synonymous variant.
Genome position (GRCh38, 1-based): chr3:78,668,154, A>C on the plus strand (T>G on the coding strand, the complement: ROBO1 is on the minus strand). VCF-style: chr3-78668154-A-C. GRCh37 (hg19) VCF-style: chr3-78717304-A-C.
Other names: c.1671T>G, p.Ser557= (NM_001145844.1, NM_001145845.2, NM_133631.4).
Identifiers: ClinVar variation 3046337 (VCV003046337.2), dbSNP rs1189650932, ClinGen allele CA434452065.